The following is an entry in ClinVar:

ClinVar aggregate classification (germline): Conflicting classifications of pathogenicity. Review status: criteria provided, conflicting classifications (1 of 4 stars). 6 submissions from 6 submitters: Uncertain significance (1); Likely benign (5). Last evaluated 2026-08-27.

Conditions:
Pheochromocytoma. Also called: MAX-Related Hereditary Paraganglioma-Pheochromocytoma Syndrome. Identifiers: Orphanet 29072, MedGen C0031511, MONDO:0008233, OMIM 171300, HP:0002666.
Hirschsprung disease, susceptibility to, 1 (HSCR1). Also called: RET-Related Hirschsprung Disease. Identifiers: Orphanet 388, MedGen C3888239, MONDO:0007723, OMIM 142623.
Familial medullary thyroid carcinoma (MTC). Also called: Thyroid cancer, familial medullary; MTC, familial; Familial Medullary Thyroid Carcinoma (FMTC). Identifiers: Orphanet 653, Orphanet 99361, MedGen C1833921, MONDO:0007958, OMIM 155240.
Multiple endocrine neoplasia type 2B. Also called: MEN IIB; NEUROMATA, MUCOSAL, WITH ENDOCRINE TUMORS; WAGENMANN-FROBOESE SYNDROME; MULTIPLE ENDOCRINE NEOPLASIA, TYPE III; MULTIPLE ENDOCRINE NEOPLASIA, TYPE IIB; MEN 2B. Identifiers: Orphanet 247709, Orphanet 653, MedGen C0025269, MeSH D018814, MONDO:0008082, OMIM 162300.
Multiple endocrine neoplasia type 2A. Also called: Multiple Endocrine Neoplasia Type 2A (MEN2A); MULTIPLE ENDOCRINE NEOPLASIA, TYPE IIA; PTC SYNDROME; SIPPLE SYNDROME; MEN 2A; MEN-2A syndrome. Identifiers: Orphanet 247698, Orphanet 653, MedGen C0025268, MeSH D018813, MONDO:0008234, OMIM 171400.
RET-related disorder. Also called: RET-related disorders; RET-related condition; RET-related disease.
Hereditary cancer-predisposing syndrome. Also called: Tumor predisposition; Hereditary neoplastic syndrome; Hereditary Cancer Syndrome; Neoplastic Syndromes, Hereditary. Identifiers: Orphanet 140162, MedGen C0027672, MeSH D009386, MONDO:0015356.
Multiple endocrine neoplasia, type 2 (MEN2). Identifiers: Orphanet 653, MedGen C4048306, MONDO:0019003. Disease mechanism: gain of function.

Allele frequency attached by ClinVar (database versions not stated): gnomAD 0.00001 and below 0.00001; TOPMed 0.00001; gnomAD exomes 0.00003 and 0.00004; ExAC 0.00004.
gnomAD v4.1: 47 of 1,614,068 alleles (0.0029%); highest among the groups gnomAD compares: South Asian, 0.036%; 1 homozygote.

Submissions (6):

PreventionGenetics, part of Exact Sciences
Classification: Likely benign for RET-related condition. Last evaluated: 2026-08-27. Review status: criteria provided, single submitter. Criteria: ACMG Guidelines, 2015. Collection method: clinical testing. Allele origin: germline.
Comment: This variant is classified as likely benign based on ACMG/AMP sequence variant interpretation guidelines (Richards et al. 2015 PMID: 25741868, with internal and published modifications).

Labcorp Genetics (formerly Invitae), Labcorp
Classification: Likely benign for Multiple endocrine neoplasia, type 2. Last evaluated: 2026-02-02. Review status: criteria provided, single submitter. Criteria: Invitae Variant Classification Sherloc (09022015). Collection method: clinical testing. Allele origin: germline.

All of Us Research Program, National Institutes of Health
Classification: Likely benign for Multiple endocrine neoplasia, type 2. Last evaluated: 2024-07-29. Review status: criteria provided, single submitter. Criteria: ACMG Guidelines, 2015. Collection method: clinical testing. Allele origin: germline. Inheritance: Autosomal dominant inheritance. Observed: 2 variant alleles, 2 heterozygotes.
Comment: This study involves interpretation of variants in research participants for the purpose of population health screening. Participant phenotype was not available at the time of variant classification. Additional details can be found in publication PMID: 35346344, PMCID: PMC8962531

Fulgent Genetics
Classification: Uncertain significance for Hirschsprung disease, susceptibility to, 1; Familial medullary thyroid carcinoma; Multiple endocrine neoplasia type 2B; Pheochromocytoma; Multiple endocrine neoplasia type 2A. Last evaluated: 2024-04-18. Review status: criteria provided, single submitter. Criteria: ACMG Guidelines, 2015. Collection method: clinical testing. Allele origin: germline.

Sema4
Classification: Likely benign for Hereditary cancer-predisposing syndrome. Last evaluated: 2021-04-14. Review status: criteria provided, single submitter. Criteria: Sema4 Curation Guidelines. Collection method: curation. Allele origin: germline.

Ambry Genetics
Classification: Likely benign for Hereditary cancer-predisposing syndrome. Last evaluated: 2019-04-17. Review status: criteria provided, single submitter. Criteria: Ambry Variant Classification Scheme 2023. Collection method: clinical testing. Allele origin: germline.

NM_020975.6(RET):c.2199C>T (p.Gly733=)

Gene: RET (ret proto-oncogene; plus strand). Cytogenetic location: 10q11.21.
Variant type: single nucleotide variant.
Coding change: c.2199C>T on transcript NM_020975.6 (MANE Select); coding-DNA position 2199, C replaced by T.
Protein change: p.Gly733=; no amino-acid change (glycine 733 retained).
Molecular consequence: synonymous variant.
Genome position (GRCh38, 1-based): chr10:43,116,646, C>T. VCF-style: chr10-43116646-C-T. GRCh37 (hg19) VCF-style: chr10-43612094-C-T.
Other names: c.2199C>T, p.Gly733= (NM_000323.2, NM_001406743.1, NM_001406744.1 and 4 more transcripts); c.1437C>T, p.Gly479= (NM_001355216.2); c.2070C>T, p.Gly690= (NM_001406761.1, NM_001406762.1, NM_001406764.1); c.2064C>T, p.Gly688= (NM_001406763.1, NM_001406765.1); c.1911C>T, p.Gly637= (NM_001406766.1, NM_001406767.1, NM_001406770.1); c.1935C>T, p.Gly645= (NM_001406768.1); c.1803C>T, p.Gly601= (NM_001406769.1, NM_001406772.1); c.1761C>T, p.Gly587= (NM_001406771.1, NM_001406773.1); and 10 more.
Identifiers: ClinVar variation 136109 (VCV000136109.18), dbSNP rs587780809, ClinGen allele CA008595.